The following is an entry in ClinVar:

ClinVar aggregate classification (germline): Likely benign. Review status: criteria provided, multiple submitters, no conflicts (2 of 4 stars). 3 submissions from 3 submitters: Likely benign (2). 1 of the submissions does not count toward it. Last evaluated 2024-04-02.

Conditions:
CC2D1A-related disorder. Also called: CC2D1A-related condition.

Allele frequency attached by ClinVar (database versions not stated): TOPMed 0.00002; 1000 Genomes Project 30x 0.00016; 1000 Genomes Project 0.00020.
gnomAD v4.1: 278 of 1,613,640 alleles (0.017%); highest among the groups gnomAD compares: Non-Finnish European, 0.0021%; 2 homozygotes.

Submissions (3):

Blueprint Genetics
Classification: Likely benign. Last evaluated: 2024-04-02. Review status: criteria provided, single submitter. Criteria: ACMG Guidelines, 2015. Collection method: clinical testing. Allele origin: germline.

Labcorp Genetics (formerly Invitae), Labcorp
Classification: Likely benign. Last evaluated: 2024-03-14. Review status: criteria provided, single submitter. Criteria: Invitae Variant Classification Sherloc (09022015). Collection method: clinical testing. Allele origin: germline.

PreventionGenetics, part of Exact Sciences
Classification: Likely benign for CC2D1A-related condition. Last evaluated: 2022-06-27. Review status: no assertion criteria provided. Collection method: clinical testing. Allele origin: germline. Not counted in ClinVar's aggregate classification.
Comment: This variant is classified as likely benign based on ACMG/AMP sequence variant interpretation guidelines (Richards et al. 2015 PMID: 25741868, with internal and published modifications).

NM_017721.5(CC2D1A):c.285C>G (p.Asp95Glu)

Gene: CC2D1A (coiled-coil and C2 domain containing 1A; plus strand). Cytogenetic location: 19p13.12.
Variant type: single nucleotide variant.
Coding change: c.285C>G on transcript NM_017721.5 (MANE Select); coding-DNA position 285, C replaced by G.
Protein change: p.Asp95Glu; replaces aspartic acid 95 with glutamic acid.
Molecular consequence: missense variant.
Genome position (GRCh38, 1-based): chr19:13,912,411, C>G. VCF-style: chr19-13912411-C-G. GRCh37 (hg19) VCF-style: chr19-14023224-C-G.
Other names: short protein forms D95E.
Identifiers: ClinVar variation 735933 (VCV000735933.9), dbSNP rs187912873, ClinGen allele CA9244218.